The following is an entry in ClinVar:

ClinVar aggregate classification (germline): Uncertain significance (1 of 4 stars; one submission).

Conditions:
Inborn genetic diseases. Identifiers: MedGen C0950123, MeSH D030342.

Submission:

Ambry Genetics
Classification: Uncertain significance for Inborn genetic diseases. Last evaluated: 2024-07-15. Review status: criteria provided, single submitter. Criteria: Ambry Variant Classification Scheme 2023. Collection method: clinical testing. Allele origin: germline.
Comment: The p.L16M variant (also known as c.46C>A), located in coding exon 1 of the LRRK2 gene, results from a C to A substitution at nucleotide position 46. The leucine at codon 16 is replaced by methionine, an amino acid with highly similar properties. This amino acid position is conserved. In addition, this alteration is predicted to be tolerated by in silico analysis. Based on the available evidence, the clinical significance of this variant remains unclear.

NM_198578.4(LRRK2):c.46C>A (p.Leu16Met)

Gene: LRRK2 (leucine rich repeat kinase 2; plus strand). Cytogenetic location: 12q12.
Variant type: single nucleotide variant.
Coding change: c.46C>A on transcript NM_198578.4 (MANE Select); coding-DNA position 46, C replaced by A.
Protein change: p.Leu16Met; replaces leucine 16 with methionine.
Molecular consequence: missense variant.
Genome position (GRCh38, 1-based): chr12:40,225,177, C>A. VCF-style: chr12-40225177-C-A. GRCh37 (hg19) VCF-style: chr12-40618979-C-A.
Other names: short protein forms L16M.
Identifiers: ClinVar variation 3540579 (VCV003540579.1).
Genomic context (GRCh38, chr12:40,225,177, plus strand): 5'-GAAGCAGGTGCCACCATGGCTAGTGGCAGCTGTCAGGGGTGCGAAGAGGACGAGGAAACT[C>A]TGAAGAAGTTGATAGTCAGGCTGAACAATGTCCAGGAAGGAAAACAGATAGAAACGCTGG-3'
Protein context (NP_940980.4, residues 6-26): CQGCEEDEET[Leu16Met]KKLIVRLNNV